The following is an entry in ClinVar:

NM_001159699.2(FHL1):c.480A>C (p.Lys160Asn)

Gene: FHL1 (four and a half LIM domains 1; plus strand). Cytogenetic location: Xq26.3.
Variant type: single nucleotide variant.
Coding change: c.480A>C on transcript NM_001159699.2 (MANE Select); coding-DNA position 480, A replaced by C.
Protein change: p.Lys160Asn; replaces lysine 160 with asparagine.
Molecular consequence: missense variant. On other transcripts: non-coding transcript variant (1).
Genome position (GRCh38, 1-based): chrX:136,207,892, A>C. VCF-style: chrX-136207892-A-C. GRCh37 (hg19) VCF-style: chrX-135290051-A-C.
Other names: c.432A>C, p.Lys144Asn (NM_001159700.2, NM_001159702.3, NM_001159703.2 and 9 more transcripts); c.519A>C, p.Lys173Asn (NM_001159701.2); c.480A>C, p.Lys160Asn (NM_001330659.2); c.432A>C (NM_001449.4); short protein forms K144N, K160N, K173N.
Identifiers: ClinVar variation 1016186 (VCV001016186.9), dbSNP rs1157004659, ClinGen allele CA414608512.

ClinVar aggregate classification (germline): Uncertain significance. Review status: criteria provided, multiple submitters, no conflicts (2 of 4 stars). 3 submissions from 3 submitters: Uncertain significance (3). Last evaluated 2025-08-21.

Conditions:
Uruguay Faciocardiomusculoskeletal syndrome. Identifiers: MedGen C1846010, MONDO:0010292, OMIM 300280.
X-linked scapuloperoneal muscular dystrophy. Also called: SCAPULOPERONEAL MYOPATHY, FHL1-RELATED. Identifiers: Orphanet 431272, MedGen C2678061, MONDO:0010400, OMIM 300695.
Myopathy, reducing body, X-linked, childhood-onset (RBMX1B). Also called: REDUCING BODY MYOPATHY, X-LINKED 1B, WITH LATE CHILDHOOD OR ADULT ONSET. Identifiers: Orphanet 97239, MedGen C4225159, MONDO:0010415, OMIM 300718.
Myopathy, reducing body, X-linked, early-onset, severe (RBMX1A). Also called: REDUCING BODY MYOPATHY, X-LINKED 1, SEVERE, WITH INFANTILE OR EARLY CHILDHOOD ONSET. Identifiers: Orphanet 97239, MedGen C4225423, MONDO:0010414, OMIM 300717.
X-linked myopathy with postural muscle atrophy. Also called: FHL1-Related Emery-Dreifuss Muscular Dystrophy, X-Linked. Identifiers: Orphanet 178461, MedGen C2678055, MONDO:0010401, OMIM 300696.
Cardiovascular phenotype. Identifiers: MedGen CN230736.

Allele frequency attached by ClinVar (database versions not stated): gnomAD exomes below 0.00001 and 0.00001; gnomAD 0.00001; TOPMed 0.00001.
gnomAD v4.1: 2 of 1,210,948 alleles (0.00017%); highest among the groups gnomAD compares: Non-Finnish European, 0.00011%; no homozygotes.

Submissions (3):

Labcorp Genetics (formerly Invitae), Labcorp
Classification: Uncertain significance for X-linked myopathy with postural muscle atrophy. Last evaluated: 2025-08-21. Review status: criteria provided, single submitter. Criteria: Invitae Variant Classification Sherloc (09022015). Collection method: clinical testing. Allele origin: germline.
Comment: This sequence change replaces lysine, which is basic and polar, with asparagine, which is neutral and polar, at codon 144 of the FHL1 protein (p.Lys144Asn). This variant is present in population databases (no rsID available, gnomAD 0.006%). This variant has not been reported in the literature in individuals affected with FHL1-related conditions. ClinVar contains an entry for this variant (Variation ID: 1016186). An algorithm developed to predict the effect of missense changes on protein structure and function (PolyPhen-2) suggests that this variant is likely to be disruptive. In summary, the available evidence is currently insufficient to determine the role of this variant in disease. Therefore, it has been classified as a Variant of Uncertain Significance.

Ambry Genetics
Classification: Uncertain significance for Cardiovascular phenotype. Last evaluated: 2025-03-31. Review status: criteria provided, single submitter. Criteria: Ambry Variant Classification Scheme 2023. Collection method: clinical testing. Allele origin: germline.
Comment: The p.K144N variant (also known as c.432A>C), located in coding exon 3 of the FHL1 gene, results from an A to C substitution at nucleotide position 432. The lysine at codon 144 is replaced by asparagine, an amino acid with similar properties. This amino acid position is conserved. In addition, the in silico prediction for this alteration is inconclusive. Based on data from gnomAD, the C allele has an overall frequency of 0.0005% (1/183454) total alleles studied, with 0 hemizygote(s) observed. The highest observed frequency was 0.0062% (1/16011) of European (Finnish) alleles. Based on the available evidence, the clinical significance of this variant remains unclear.

Fulgent Genetics
Classification: Uncertain significance for Uruguay Faciocardiomusculoskeletal syndrome; X-linked scapuloperoneal muscular dystrophy; X-linked myopathy with postural muscle atrophy; Myopathy, reducing body, X-linked, early-onset, severe; Myopathy, reducing body, X-linked, childhood-onset. Last evaluated: 2021-09-30. Review status: criteria provided, single submitter. Criteria: ACMG Guidelines, 2015. Collection method: clinical testing. Allele origin: unknown.